The following is an entry in ClinVar:

ClinVar aggregate classification (germline): Uncertain significance (1 of 4 stars; one submission).

Conditions:
Tuberous sclerosis 1 (TSC1). Identifiers: Orphanet 805, MedGen C1854465, MONDO:0008612, OMIM 191100.

Submission:

Labcorp Genetics (formerly Invitae), Labcorp
Classification: Uncertain significance for Tuberous sclerosis 1. Last evaluated: 2024-07-19. Review status: criteria provided, single submitter. Criteria: Invitae Variant Classification Sherloc (09022015). Collection method: clinical testing. Allele origin: germline.
Comment: This sequence change replaces histidine, which is basic and polar, with tyrosine, which is neutral and polar, at codon 1014 of the TSC1 protein (p.His1014Tyr). This variant is not present in population databases (gnomAD no frequency). This variant has not been reported in the literature in individuals affected with TSC1-related conditions. Advanced modeling of protein sequence and biophysical properties (such as structural, functional, and spatial information, amino acid conservation, physicochemical variation, residue mobility, and thermodynamic stability) performed at Invitae indicates that this missense variant is not expected to disrupt TSC1 protein function with a negative predictive value of 95%. In summary, the available evidence is currently insufficient to determine the role of this variant in disease. Therefore, it has been classified as a Variant of Uncertain Significance.

NM_000368.5(TSC1):c.3040C>T (p.His1014Tyr)

Gene: TSC1 (TSC complex subunit 1; minus strand). Cytogenetic location: 9q34.13.
Variant type: single nucleotide variant.
Coding change: c.3040C>T on transcript NM_000368.5 (MANE Select); coding-DNA position 3040, C replaced by T.
Protein change: p.His1014Tyr; replaces histidine 1014 with tyrosine.
Molecular consequence: missense variant. On other transcripts: non-coding transcript variant (5).
Genome position (GRCh38, 1-based): chr9:132,896,690, G>A on the plus strand (C>T on the coding strand, the complement: TSC1 is on the minus strand). VCF-style: chr9-132896690-G-A. GRCh37 (hg19) VCF-style: chr9-135772077-G-A.
Other names: c.3037C>T, p.His1013Tyr (NM_001162426.2, NM_001406597.1, NM_001406598.1 and 2 more transcripts); c.2887C>T, p.His963Tyr (NM_001162427.2, NM_001406610.1); c.2677C>T, p.His893Tyr (NM_001362177.2, NM_001406614.1, NM_001406615.1 and 4 more transcripts); c.3040C>T, p.His1014Tyr (NM_001406592.1, NM_001406593.1, NM_001406594.1 and 2 more transcripts); c.3025C>T, p.His1009Tyr (NM_001406601.1, NM_001406602.1); c.3022C>T, p.His1008Tyr (NM_001406603.1, NM_001406604.1); c.2998C>T, p.His1000Tyr (NM_001406605.1, NM_001406606.1, NM_001406607.1); c.2995C>T, p.His999Tyr (NM_001406608.1, NM_001406609.1); and 8 more; short protein forms H1008Y, H1014Y, H879Y, H1013Y, H893Y, H999Y, H663Y, H696Y.
Identifiers: ClinVar variation 3659877 (VCV003659877.2).